The following is an entry in ClinVar:

ClinVar aggregate classification (germline): Uncertain significance (1 of 4 stars; one submission).

Conditions:
Congenital myasthenic syndrome 8. Also called: Myasthenic syndrome, congenital, 8, with pre- and postsynaptic defects; MYASTHENIC SYNDROME, CONGENITAL, DUE TO AGRIN DEFICIENCY. Identifiers: Orphanet 590, MedGen C3808739, MONDO:0014052, OMIM 615120.

Allele frequency attached by ClinVar (database versions not stated): TOPMed 0.00001.
gnomAD v4.1: 35 of 1,591,250 alleles (0.0022%); highest among the groups gnomAD compares: Non-Finnish European, 0.003%; no homozygotes.

Submission:

Labcorp Genetics (formerly Invitae), Labcorp
Classification: Uncertain significance for Congenital myasthenic syndrome 8. Last evaluated: 2022-07-11. Review status: criteria provided, single submitter. Criteria: Invitae Variant Classification Sherloc (09022015). Collection method: clinical testing. Allele origin: germline.
Comment: This sequence change replaces tryptophan, which is neutral and slightly polar, with cysteine, which is neutral and slightly polar, at codon 1992 of the AGRN protein (p.Trp1992Cys). The frequency data for this variant in the population databases is considered unreliable, as metrics indicate poor data quality at this position in the gnomAD database. This variant has not been reported in the literature in individuals affected with AGRN-related conditions. ClinVar contains an entry for this variant (Variation ID: 1047768). Algorithms developed to predict the effect of missense changes on protein structure and function are either unavailable or do not agree on the potential impact of this missense change (SIFT: "Deleterious"; PolyPhen-2: "Probably Damaging"; Align-GVGD: "Class C0"). In summary, the available evidence is currently insufficient to determine the role of this variant in disease. Therefore, it has been classified as a Variant of Uncertain Significance.

NM_198576.4(AGRN):c.5976G>T (p.Trp1992Cys)

Gene: AGRN (agrin; plus strand). Cytogenetic location: 1p36.33.
Variant type: single nucleotide variant.
Coding change: c.5976G>T on transcript NM_198576.4 (MANE Select); coding-DNA position 5976, G replaced by T.
Protein change: p.Trp1992Cys; replaces tryptophan 1992 with cysteine.
Molecular consequence: missense variant.
Genome position (GRCh38, 1-based): chr1:1,054,547, G>T. VCF-style: chr1-1054547-G-T. GRCh37 (hg19) VCF-style: chr1-989927-G-T.
Other names: c.6045G>T, p.Trp2015Cys (NM_001305275.2); c.5673G>T, p.Trp1891Cys (NM_001364727.2); short protein forms W1891C, W1992C, W2015C.
Identifiers: ClinVar variation 1047768 (VCV001047768.6), dbSNP rs776480996, ClinGen allele CA510289.